The following is an entry in ClinVar:

ClinVar aggregate classification (germline): Uncertain significance (1 of 4 stars; one submission).

Conditions:
Dyskeratosis congenita. Identifiers: Orphanet 1775, MedGen C0265965, MONDO:0015780.

Allele frequency attached by ClinVar (database versions not stated): gnomAD exomes below 0.00001.
gnomAD v4.1: 1 of 1,614,180 alleles (0.000062%); highest among the groups gnomAD compares: Non-Finnish European, 0.000085%; no homozygotes.

Submission:

Sema4
Classification: Uncertain significance for Dyskeratosis congenita. Last evaluated: 2022-02-07. Review status: criteria provided, single submitter. Criteria: Sema4 Curation Guidelines. Collection method: curation. Allele origin: germline.
Comment: The TINF2 c.433G>A (p.A145T) variant has not been reported in the literature to our knowledge. This variant is not reported in the population database Genome Aggregation Database (PMID: 32461654). This variant has not been reported in ClinVar. In silico tools suggest the impact of the variant on protein function is benign, though these predictions have not been confirmed by functional studies. The evidence is insufficient to meet ACMG/AMP criteria for classifying the variant as benign or pathogenic. Thus, the clinical significance of this variant is currently uncertain.

NM_001099274.3(TINF2):c.433G>A (p.Ala145Thr)

Gene: TINF2 (TERF1 interacting nuclear factor 2; minus strand). Cytogenetic location: 14q12.
Variant type: single nucleotide variant.
Coding change: c.433G>A on transcript NM_001099274.3 (MANE Select); coding-DNA position 433, G replaced by A.
Protein change: p.Ala145Thr; replaces alanine 145 with threonine.
Molecular consequence: missense variant.
Genome position (GRCh38, 1-based): chr14:24,241,278, C>T on the plus strand (G>A on the coding strand, the complement: TINF2 is on the minus strand). VCF-style: chr14-24241278-C-T. GRCh37 (hg19) VCF-style: chr14-24710484-C-T.
Other names: c.328G>A, p.Ala110Thr (NM_001363668.2); c.433G>A, p.Ala145Thr (NM_012461.3); short protein forms A110T, A145T.
Identifiers: ClinVar variation 1692547 (VCV001692547.1), dbSNP rs2139001098, ClinGen allele CA389231950.
Genomic context (GRCh38, chr14:24,241,278, plus strand): 5'-GTGTAGGCAGTGCTTTCTCCAGCTGACACAAGTACTCAAAAAGCAGCTTTTCCATGGCAG[C>T]CAGAAAGGGTTCCCCATACTCTTGTTCAAGTTCCTACAGCAGGGGAGATTAGGTCAAAAG-3'
Protein context (NP_001092744.1, residues 135-155): LEQEYGEPFL[Ala145Thr]AMEKLLFEYL